The following is an entry in ClinVar:

NM_000448.3(RAG1):c.3121A>G (p.Met1041Val)

Gene: RAG1 (recombination activating 1; plus strand). Cytogenetic location: 11p12.
Variant type: single nucleotide variant.
Coding change: c.3121A>G on transcript NM_000448.3 (MANE Select); coding-DNA position 3121, A replaced by G.
Protein change: p.Met1041Val; replaces methionine 1041 with valine.
Molecular consequence: missense variant.
Genome position (GRCh38, 1-based): chr11:36,576,425, A>G. VCF-style: chr11-36576425-A-G. GRCh37 (hg19) VCF-style: chr11-36597975-A-G.
Other names: c.3121A>G, p.Met1041Val (NM_001377277.1, NM_001377278.1, NM_001377279.1 and 1 more transcripts); short protein forms M1041V.
Identifiers: ClinVar variation 2180014 (VCV002180014.1), dbSNP rs756510053, ClinGen allele CA5950375.

ClinVar aggregate classification (germline): Uncertain significance (1 of 4 stars; one submission).

Conditions:
Severe combined immunodeficiency, autosomal recessive, T cell-negative, B cell-negative, NK cell-positive. Also called: SCID, T CELL-NEGATIVE, B CELL-NEGATIVE, NK CELL-POSITIVE; SCID, AR, T-cell negative, B-cell negative, NK cell-positive; Severe combined immunodeficiency due to complete RAG1/2 deficiency. Identifiers: Orphanet 331206, MedGen C1832322, MONDO:0011086, OMIM 601457.
Combined immunodeficiency with skin granulomas. Identifiers: Orphanet 157949, MedGen C2673536, MONDO:0009306, OMIM 233650.

Allele frequency attached by ClinVar (database versions not stated): gnomAD exomes below 0.00001; ExAC 0.00001.

Submission:

Labcorp Genetics (formerly Invitae), Labcorp
Classification: Uncertain significance for Combined immunodeficiency with skin granulomas; Severe combined immunodeficiency, autosomal recessive, T cell-negative, B cell-negative, NK cell-positive. Last evaluated: 2022-06-04. Review status: criteria provided, single submitter. Criteria: Invitae Variant Classification Sherloc (09022015). Collection method: clinical testing. Allele origin: germline.
Comment: This sequence change replaces methionine, which is neutral and non-polar, with valine, which is neutral and non-polar, at codon 1041 of the RAG1 protein (p.Met1041Val). This variant is present in population databases (rs756510053, gnomAD 0.007%). This variant has not been reported in the literature in individuals affected with RAG1-related conditions. Advanced modeling of protein sequence and biophysical properties (such as structural, functional, and spatial information, amino acid conservation, physicochemical variation, residue mobility, and thermodynamic stability) performed at Invitae indicates that this missense variant is not expected to disrupt RAG1 protein function. In summary, the available evidence is currently insufficient to determine the role of this variant in disease. Therefore, it has been classified as a Variant of Uncertain Significance.